The following is an entry in ClinVar:

NM_000090.4(COL3A1):c.2042G>A (p.Gly681Asp)

Gene: COL3A1 (collagen type III alpha 1 chain; plus strand). Cytogenetic location: 2q32.2.
Variant type: single nucleotide variant.
Coding change: c.2042G>A on transcript NM_000090.4 (MANE Select); coding-DNA position 2042, G replaced by A.
Protein change: p.Gly681Asp; replaces glycine 681 with aspartic acid.
Molecular consequence: missense variant.
Genome position (GRCh38, 1-based): chr2:188,999,304, G>A. VCF-style: chr2-188999304-G-A. GRCh37 (hg19) VCF-style: chr2-189864030-G-A.
Other names: short protein forms G681D.
Identifiers: ClinVar variation 636412 (VCV000636412.11), dbSNP rs1173194734, ClinGen allele CA349839847.

ClinVar aggregate classification (germline): Likely pathogenic (1 of 4 stars; one submission).

Conditions:
Ehlers-Danlos syndrome, type 4 (EDSVASC). Also called: Ehlers-Danlos syndrome vascular type; Ehlers Danlos syndrome, ecchymotic type; Ehlers Danlos syndrome, arterial type; Ehlers Danlos syndrome, Sack-Barabas type; Ehlers-Danlos Syndrome Type IV. Identifiers: Orphanet 286, MedGen C0268338, MONDO:0017314, OMIM 130050.

Allele frequency attached by ClinVar (database versions not stated): gnomAD exomes below 0.00001.

Submission:

Labcorp Genetics (formerly Invitae), Labcorp
Classification: Likely pathogenic for Ehlers-Danlos syndrome, type 4. Last evaluated: 2022-08-09. Review status: criteria provided, single submitter. Criteria: Invitae Variant Classification Sherloc (09022015). Collection method: clinical testing. Allele origin: germline.
Comment: In summary, the currently available evidence indicates that the variant is pathogenic, but additional data are needed to prove that conclusively. Therefore, this variant has been classified as Likely Pathogenic. This variant disrupts the triple helix domain of COL3A1. Glycine residues within the Gly-Xaa-Yaa repeats of the triple helix domain are required for the structure and stability of fibrillar collagens (PMID: 7695699, 8218237, 19344236). In COL3A1, variants that affect these glycine residues are significantly enriched in individuals with disease (PMID: 24922459, 25758994) compared to the general population (ExAC). Advanced modeling of protein sequence and biophysical properties (such as structural, functional, and spatial information, amino acid conservation, physicochemical variation, residue mobility, and thermodynamic stability) performed at Invitae indicates that this missense variant is expected to disrupt COL3A1 protein function. ClinVar contains an entry for this variant (Variation ID: 636412). This missense change has been observed in individual(s) with clinical features of Ehlers-Danlos syndrome, vascular type (Invitae). This variant is not present in population databases (gnomAD no frequency). This sequence change replaces glycine, which is neutral and non-polar, with aspartic acid, which is acidic and polar, at codon 681 of the COL3A1 protein (p.Gly681Asp).

Literature cited by the submitters: PubMed 7695699; PubMed 8218237; PubMed 19344236; PubMed 24922459; PubMed 25758994.